The following is an entry in ClinVar:

ClinVar aggregate classification (germline): Uncertain significance (1 of 4 stars; one submission).

Conditions:
Emery-Dreifuss muscular dystrophy 4, autosomal dominant (EDMD4). Also called: EMERY-DREIFUSS MUSCULAR DYSTROPHY 4 WITH VARIABLE FEATURES. Identifiers: Orphanet 261, MedGen C2751807, MONDO:0013071, OMIM 612998.
Autosomal recessive ataxia, Beauce type. Also called: Spinocerebellar ataxia, autosomal recessive 8; ATAXIA, RECESSIVE, OF BEAUCE; SYNE1 Deficiency; SYNE1-Related Autosomal Recessive Cerebellar Ataxia. Identifiers: Orphanet 88644, MedGen C1853116, MONDO:0012549, OMIM 610743.

Submission:

Labcorp Genetics (formerly Invitae), Labcorp
Classification: Uncertain significance for Emery-Dreifuss muscular dystrophy 4, autosomal dominant; Autosomal recessive ataxia, Beauce type. Last evaluated: 2023-05-24. Review status: criteria provided, single submitter. Criteria: Invitae Variant Classification Sherloc (09022015). Collection method: clinical testing. Allele origin: germline.
Comment: This sequence change replaces glutamine, which is neutral and polar, with proline, which is neutral and non-polar, at codon 73 of the SYNE1 protein (p.Gln73Pro). This variant is not present in population databases (gnomAD no frequency). This variant has not been reported in the literature in individuals affected with SYNE1-related conditions. ClinVar contains an entry for this variant (Variation ID: 1411216). An algorithm developed to predict the effect of missense changes on protein structure and function (PolyPhen-2) suggests that this variant is likely to be disruptive. In summary, the available evidence is currently insufficient to determine the role of this variant in disease. Therefore, it has been classified as a Variant of Uncertain Significance.

NM_182961.4(SYNE1):c.218A>C (p.Gln73Pro)

Gene: SYNE1 (spectrin repeat containing nuclear envelope protein 1; minus strand). Cytogenetic location: 6q25.2.
Variant type: single nucleotide variant.
Coding change: c.218A>C on transcript NM_182961.4 (MANE Select); coding-DNA position 218, A replaced by C.
Protein change: p.Gln73Pro; replaces glutamine 73 with proline.
Molecular consequence: missense variant.
Genome position (GRCh38, 1-based): chr6:152,526,087, T>G on the plus strand (A>C on the coding strand, the complement: SYNE1 is on the minus strand). VCF-style: chr6-152526087-T-G. GRCh37 (hg19) VCF-style: chr6-152847222-T-G.
Other names: c.218A>C, p.Gln73Pro (NM_033071.5); short protein forms Q73P.
Identifiers: ClinVar variation 1411216 (VCV001411216.8), dbSNP rs2154353751, ClinGen allele CA366112471.
Genomic context (GRCh38, chr6:152,526,087, plus strand): 5'-AAATTCCAAATGGAAACAATTTGACAAGTATGATCACACAAAAAAATTCTTACCAGTTTC[T>G]GCCCAGACAGGACCTCCAGAAGGGCAAGCAGTTTAACACCATCTTTCATGTCTTCAAAAA-3'
Protein context (NP_892006.3, residues 63-83): LLALLEVLSG[Gln73Pro]KLPCEQGRRM